The following is an entry in ClinVar:

ClinVar aggregate classification (germline): Uncertain significance (1 of 4 stars; one submission).

Allele frequency attached by ClinVar (database versions not stated): gnomAD exomes 0.00001 and 0.00003; ExAC 0.00002; TOPMed 0.00002; gnomAD 0.00004.
gnomAD v4.1: 51 of 1,613,358 alleles (0.0032%); highest among the groups gnomAD compares: Non-Finnish European, 0.0042%; no homozygotes.

Submission:

Labcorp Genetics (formerly Invitae), Labcorp
Classification: Uncertain significance. Last evaluated: 2025-04-16. Review status: criteria provided, single submitter. Criteria: Invitae Variant Classification Sherloc (09022015). Collection method: clinical testing. Allele origin: germline.
Comment: This sequence change replaces glutamic acid with alanine at codon 1312 of the CEP250 protein (p.Glu1312Ala). The glutamic acid residue is moderately conserved and there is a moderate physicochemical difference between glutamic acid and alanine. This variant is present in population databases (rs766723321, gnomAD 0.002%). This variant has not been reported in the literature in individuals affected with CEP250-related conditions. ClinVar contains an entry for this variant (Variation ID: 1482313). An algorithm developed to predict the effect of missense changes on protein structure and function (PolyPhen-2) suggests that this variant is likely to be tolerated. In summary, the available evidence is currently insufficient to determine the role of this variant in disease. Therefore, it has been classified as a Variant of Uncertain Significance.

NM_007186.6(CEP250):c.3935A>C (p.Glu1312Ala)

Gene: CEP250 (centrosomal protein 250; plus strand). Cytogenetic location: 20q11.22.
Variant type: single nucleotide variant.
Coding change: c.3935A>C on transcript NM_007186.6 (MANE Select); coding-DNA position 3935, A replaced by C.
Protein change: p.Glu1312Ala; replaces glutamic acid 1312 with alanine.
Molecular consequence: missense variant.
Genome position (GRCh38, 1-based): chr20:35,501,881, A>C. VCF-style: chr20-35501881-A-C. GRCh37 (hg19) VCF-style: chr20-34089708-A-C.
Other names: c.2039A>C, p.Glu680Ala (NM_001318219.1); short protein forms E1312A, E680A.
Identifiers: ClinVar variation 1482313 (VCV001482313.6), dbSNP rs766723321, ClinGen allele CA9833612.
Genomic context (GRCh38, chr20:35,501,881, plus strand): 5'-CTCTCCTCTCCTCTCTTCTCAAAGAGAAATCTAAGTGGGAAGGAAAGCAGAACTCCCTAG[A>C]ATCTGAGCTGATGGAACTACATGAAACTATGGCATCCTTACAGAGTCGCCTGCGGAGAGC-3'
Protein context (NP_009117.2, residues 1302-1322): SKWEGKQNSL[Glu1312Ala]SELMELHETM